The following is an entry in ClinVar:

ClinVar aggregate classification (germline): Likely pathogenic. Review status: criteria provided, single submitter (1 of 4 stars). 2 submissions from 2 submitters: Likely pathogenic (1). 1 of the submissions does not count toward it. Last evaluated 2016-06-01.

Conditions:
Cardiovascular phenotype. Identifiers: MedGen CN230736.
Dilated cardiomyopathy 1AA (CMD1AA). Also called: CARDIOMYOPATHY, DILATED, 1AA, WITH OR WITHOUT LEFT VENTRICULAR NONCOMPACTION; CARDIOMYOPATHY, FAMILIAL HYPERTROPHIC, 23, WITH OR WITHOUT LEFT VENTRICULAR NONCOMPACTION; Cardiomyopathy, dilated, 1AA, with or without LVNC. Identifiers: Orphanet 154, MedGen C2677338, MONDO:0012808, OMIM 612158.

Submissions (4):

Ambry Genetics
Classification: Likely pathogenic for Cardiovascular phenotype. Last evaluated: 2016-06-01. Review status: criteria provided, single submitter. Criteria: Ambry Variant Classification Scheme 2023. Collection method: clinical testing. Allele origin: germline.
Comment: The p.M228T variant (also known as c.683T>C), located in coding exon 7 of the ACTN2 gene, results from a T to C substitution at nucleotide position 683. The methionine at codon 228 is replaced by threonine, an amino acid with similar properties. This variant was described in a four generation Italian family affected with hypertrophic cardiomyopathy (HCM) and was shown to segregate with disease (Girolami F et al, Circ Cardiovasc Genet 2014 Dec; 7(6):741-50). This variant was not reported in population based cohorts in the following databases: Database of Single Nucleotide Polymorphisms (dbSNP), NHLBI Exome Sequencing Project (ESP), and 1000 Genomes Project. In the ESP, this variant was not observed in 6503 samples (13006 alleles) with coverage at this position. This amino acid position is highly conserved in available vertebrate species. In addition, the in silico prediction for this alteration is inconclusive. Based on the majority of available evidence to date, this variant is likely to be pathogenic.

OMIM
Classification: Pathogenic for CARDIOMYOPATHY, FAMILIAL HYPERTROPHIC, 23, WITH OR WITHOUT LEFT VENTRICULAR NONCOMPACTION. Last evaluated: 2014-12-01. Review status: no assertion criteria provided. Collection method: literature only. Allele origin: germline. Not counted in ClinVar's aggregate classification.

Avery Lab, Oakland University
No classification provided (evidence only). Condition: Dilated cardiomyopathy 1AA; Hypertrophic cardiomyopathy 1. Review status: no classification provided. Collection method: in vitro. Allele origin: not applicable. Functional consequence: loss of function. Not counted in ClinVar's aggregate classification.

Avery Lab, Oakland University
No classification provided (evidence only). Condition: Dilated cardiomyopathy 1AA. Review status: no classification provided. Collection method: in vivo. Allele origin: not applicable. Functional consequence: loss of function. Not counted in ClinVar's aggregate classification.

Literature cited by the submitters: PubMed 25173926 (cited by Ambry Genetics and OMIM); PubMed 29875424 (cited by Ambry Genetics); PubMed 31956495 (cited by Ambry Genetics).

NM_001103.4(ACTN2):c.683T>C (p.Met228Thr)

Gene: ACTN2 (actinin alpha 2; plus strand). Cytogenetic location: 1q43.
Variant type: single nucleotide variant.
Coding change: c.683T>C on transcript NM_001103.4 (MANE Select); coding-DNA position 683, T replaced by C.
Protein change: p.Met228Thr; replaces methionine 228 with threonine.
Molecular consequence: missense variant. On other transcripts: 5 prime UTR variant (1).
Genome position (GRCh38, 1-based): chr1:236,731,300, T>C. VCF-style: chr1-236731300-T-C. GRCh37 (hg19) VCF-style: chr1-236894600-T-C.
Other names: c.683T>C, p.Met228Thr (NM_001278343.2); c.-139T>C (NM_001278344.2); short protein forms M228T.
Identifiers: ClinVar variation 189519 (VCV000189519.7), dbSNP rs786205144, ClinGen allele CA274533.
Genomic context (GRCh38, chr1:236,731,300, plus strand): 5'-CCATAGGAAATATTAACCTGGCCATGGAAATCGCTGAGAAGCACCTGGATATTCCTAAAA[T>C]GTTGGATGCTGAAGGTGAGATGAAAATTGTGTTTGCTGAGTTACAGGAAATTTGAAGACT-3'
Protein context (NP_001094.1, residues 218-238): IAEKHLDIPK[Met228Thr]LDAEDIVNTP